The following is an entry in ClinVar:

NM_022124.6(CDH23):c.7994T>C (p.Ile2665Thr)

Genes: CDH23 (cadherin related 23; plus strand), LOC111982869 (Sharpr-MPRA regulatory region 2121; plus strand). Cytogenetic location: 10q22.1.
Variant type: single nucleotide variant.
Coding change: c.7994T>C on transcript NM_022124.6 (MANE Select); coding-DNA position 7994, T replaced by C.
Protein change: p.Ile2665Thr; replaces isoleucine 2665 with threonine.
Molecular consequence: missense variant.
Genome position (GRCh38, 1-based): chr10:71,805,927, T>C. VCF-style: chr10-71805927-T-C. GRCh37 (hg19) VCF-style: chr10-73565684-T-C.
Other names: c.1274T>C, p.Ile425Thr (NM_001171933.1, NM_001171934.1); c.7994T>C (NM_022124.5); short protein forms I2665T, I425T.
Identifiers: ClinVar variation 1041861 (VCV001041861.6), dbSNP rs375019257, ClinGen allele CA209474178.

ClinVar aggregate classification (germline): Conflicting classifications of pathogenicity. Review status: criteria provided, conflicting classifications (1 of 4 stars). 4 submissions from 4 submitters: Uncertain significance (2); Likely benign (1). 1 of the submissions does not count toward it. Last evaluated 2025-04-04.

Conditions:
Inborn genetic diseases. Identifiers: MedGen C0950123, MeSH D030342.
Usher syndrome type 1 (USH1). Also called: RETINITIS PIGMENTOSA AND CONGENITAL DEAFNESS. Identifiers: Orphanet 231169, Orphanet 886, MedGen C1568247, MONDO:0010168, OMIM 276900.

Allele frequency attached by ClinVar (database versions not stated): gnomAD exomes 0.00001; ESP Exome Variant Server 0.00016; gnomAD 0.00013 and 0.00012; TOPMed 0.00011.
gnomAD v4.1: 32 of 1,612,740 alleles (0.002%); highest among the groups gnomAD compares: African/African-American, 0.039%; no homozygotes.

Submissions (4):

Ambry Genetics
Classification: Likely benign for Inborn genetic diseases. Last evaluated: 2025-04-04. Review status: criteria provided, single submitter. Criteria: Ambry Variant Classification Scheme 2023. Collection method: clinical testing. Allele origin: germline.

Labcorp Genetics (formerly Invitae), Labcorp
Classification: Uncertain significance. Last evaluated: 2024-10-15. Review status: criteria provided, single submitter. Criteria: Invitae Variant Classification Sherloc (09022015). Collection method: clinical testing. Allele origin: germline.
Comment: This sequence change replaces isoleucine, which is neutral and non-polar, with threonine, which is neutral and polar, at codon 2665 of the CDH23 protein (p.Ile2665Thr). This variant is present in population databases (rs375019257, gnomAD 0.03%). This variant has not been reported in the literature in individuals affected with CDH23-related conditions. ClinVar contains an entry for this variant (Variation ID: 1041861). An algorithm developed to predict the effect of missense changes on protein structure and function outputs the following: PolyPhen-2: "Not Available". The threonine amino acid residue is found in multiple mammalian species, which suggests that this missense change does not adversely affect protein function. In summary, the available evidence is currently insufficient to determine the role of this variant in disease. Therefore, it has been classified as a Variant of Uncertain Significance.

Breakthrough Genomics
Classification: Uncertain significance. Review status: criteria provided, single submitter. Criteria: ACMG Guidelines, 2015. Collection method: not provided. Allele origin: germline. Inheritance: Autosomal recessive inheritance. Affected: yes.

Natera, Inc.
Classification: Uncertain significance for Usher syndrome type 1. Last evaluated: 2021-03-02. Review status: no assertion criteria provided. Collection method: clinical testing. Allele origin: germline. Not counted in ClinVar's aggregate classification.